The following is an entry in ClinVar:

NM_000382.3(ALDH3A2):c.171C>G (p.Tyr57Ter)

Gene: ALDH3A2 (aldehyde dehydrogenase 3 family member A2; plus strand). Cytogenetic location: 17p11.2.
Variant type: single nucleotide variant.
Coding change: c.171C>G on transcript NM_000382.3 (MANE Select); coding-DNA position 171, C replaced by G.
Protein change: p.Tyr57Ter; replaces tyrosine 57 with a stop codon.
Molecular consequence: nonsense. On other transcripts: 5 prime UTR variant (1).
Genome position (GRCh38, 1-based): chr17:19,651,564, C>G. VCF-style: chr17-19651564-C-G. GRCh37 (hg19) VCF-style: chr17-19554877-C-G.
Other names: c.171C>G, p.Tyr57Ter (NM_001031806.2, NM_001369136.1, NM_001369137.2 and 3 more transcripts); c.-518C>G (NM_001369148.2); c.171C>G (NM_000382.2); short protein forms Y57*.
Identifiers: ClinVar variation 2089934 (VCV002089934.5), dbSNP rs2084814748, ClinGen allele CA398701479.
Genomic context (GRCh38, chr17:19,651,564, plus strand): 5'-TCATACTTACTCTGCAAGATTAACTGTGATTCTCTTATAACAGAGTGAATTCAATGTGTA[C>G]AGTCAGGAAGTCATTACTGTCCTTGGGGAAATTGATTTTATGCTTGAGAATCTTCCTGAA-3'

ClinVar aggregate classification (germline): Pathogenic/Likely pathogenic. Review status: criteria provided, multiple submitters, no conflicts (2 of 4 stars). 2 submissions from 2 submitters: Pathogenic (1); Likely pathogenic (1). Last evaluated 2025-02-03.

Conditions:
Sjögren-Larsson syndrome (SLS). Also called: FALDH DEFICIENCY; FATTY ALCOHOL:NAD+ OXIDOREDUCTASE DEFICIENCY; FATTY ALDEHYDE DEHYDROGENASE DEFICIENCY; ICHTHYOSIS, SPASTIC NEUROLOGIC DISORDER, AND OLIGOPHRENIA. Identifiers: Orphanet 816, MedGen C0037231, MONDO:0010031, OMIM 270200.

Allele frequency attached by ClinVar (database versions not stated): TOPMed below 0.00001.

Submissions (2):

Natera, Inc.
Classification: Likely pathogenic for Sjögren-Larsson syndrome. Last evaluated: 2025-02-03. Review status: criteria provided, single submitter. Criteria: Natera Variant Classification Schema (03/2026). Collection method: clinical testing. Allele origin: germline.
Comment: The c.171C>G variant in ALDH3A2 is a nonsense variant predicted to introduce a stop codon at amino acid 57. This variant is expected to result in nonsense mediated decay, truncation, or a dysfunctional protein product. This variant is rare in the general population with a frequency below the threshold expected for the associated phenotype(s). Given the available evidence, this variant is classified as Likely Pathogenic.

Labcorp Genetics (formerly Invitae), Labcorp
Classification: Pathogenic. Last evaluated: 2022-06-23. Review status: criteria provided, single submitter. Criteria: Invitae Variant Classification Sherloc (09022015). Collection method: clinical testing. Allele origin: germline.
Comment: For these reasons, this variant has been classified as Pathogenic. Algorithms developed to predict the effect of sequence changes on RNA splicing suggest that this variant may disrupt the consensus splice site. This variant has not been reported in the literature in individuals affected with ALDH3A2-related conditions. This variant is not present in population databases (gnomAD no frequency). This sequence change creates a premature translational stop signal (p.Tyr57*) in the ALDH3A2 gene. It is expected to result in an absent or disrupted protein product. Loss-of-function variants in ALDH3A2 are known to be pathogenic (PMID: 10577908, 10854114).

Literature cited by the submitters: PubMed 10577908 (cited by Labcorp Genetics (formerly Invitae), Labcorp); PubMed 10854114 (cited by Labcorp Genetics (formerly Invitae), Labcorp).